The following continues an entry in ClinVar:

NM_000492.4(CFTR):c.4426C>T (p.Gln1476Ter)

ClinVar aggregate classification (germline): Pathogenic/Likely pathogenic. Pathogenic (14); Likely pathogenic (5).

Submissions 10 to 21 of 21:

Institute of Human Genetics, University of Leipzig Medical Center
Classification: Likely pathogenic for Cystic fibrosis. Last evaluated: 2022-09-05. Review status: criteria provided, single submitter. Criteria: ACMG Guidelines, 2015. Collection method: curation. Allele origin: unknown. Affected: yes. Observed: 1 variant allele.
Comment: The variant was classified in the context of a project re-classifying variants in the German Cystic Fibrosis Registry (Muko.e.V.). Criteria applied: PVS1_MOD, PS3_SUP, PM2_SUP, PM3_STR, PP4

Mendelics
Classification: Pathogenic for Hereditary pancreatitis. Last evaluated: 2022-05-04. Review status: criteria provided, single submitter. Criteria: Mendelics Assertion Criteria 2019. Collection method: clinical testing. Allele origin: germline.

Baylor Genetics
Classification: Pathogenic for Bronchiectasis with or without elevated sweat chloride 1. Last evaluated: 2022-02-06. Review status: criteria provided, single submitter. Criteria: ACMG Guidelines, 2015. Collection method: clinical testing. Allele origin: unknown.

Sema4
Classification: Pathogenic for Hereditary pancreatitis. Last evaluated: 2021-05-10. Review status: criteria provided, single submitter. Criteria: Sema4 Curation Guidelines. Collection method: curation. Allele origin: germline.
Comment: The CFTR c.4426C>T (p.Q1476X) variant has been reported in compound heterozygocity with another pathogenic variant in individuals with pancreatitis, cystic fibrosis, congenital bilateral absence of the vas deferens, or secretory azoospermia (PMID: 21520337, 17003641, 12578973, 21679131, 11938439, 28544683, 23276700, 11504857, 17449517). This nonsense variant creates a premature stop codon at residue 1476 of the CFTR protein, resulting in a truncation of last for amino acid residues (Asp-Thr-Arg-Leu). There are no functional studies describng the effect of this variant on protein function. This variant was observed in 6/282280 chromosomes in the large and broad cohorts of the Genome Aggregation Database (PMID: 32461654). The variant has been reported in ClinVar (Variation ID: 53947). Based on the current evidence available, this variant is interpreted as pathogenic.

Rady Children's Institute for Genomic Medicine, Rady Children's Hospital San Diego
Classification: Likely pathogenic for CYSTIC FIBROSIS. Last evaluated: 2020-05-27. Review status: criteria provided, single submitter. Criteria: ACMG Guidelines, 2015. Collection method: clinical testing. Allele origin: germline. Affected: yes.
Comment: This variant affects the last exon of CFTR and is predicted to escape nonsense mediated decay (NMD). The c.4426C>T alteration has been previously reported as a compound heterozygous change in multiple patients with variable clinical presentation ranging from cystic fibrosis to congenital absence of vas deference, and other CFTR-related disorders such as chronic pancreatitis (PMID: 21520337, 22020151, 23276700). In-vitro studies showed that this variant leads to the expression of a mature truncated form of CFTR that moderately affects the channel functioning and is responsive to treatment with lumacaftor, or a combination of both lumacaftor and tezacaftor (PMID: 30444886). It is present in the heterozygous state in the gnomAD population database at a frequency of 0.002% (6/282280) and thus is presumed to be rare. In silico analyses support a deleterious effect of the c.4426C>T (p.Gln1476Ter) variant on protein function. Based on the available evidence, the c.4426C>T (p.Gln1476Ter) variant is classified as Likely Pathogenic.

CFTR-France
Classification: Pathogenic for CFTR-related disorders. Last evaluated: 2018-01-29. Review status: criteria provided, single submitter. Criteria: Claustres M et al. (Hum Mutat 2017). Collection method: curation. Allele origin: germline. Affected: yes.

Women's Health and Genetics/Laboratory Corporation of America, LabCorp
Classification: Pathogenic for Cystic fibrosis. Last evaluated: 2017-05-08. Review status: criteria provided, single submitter. Criteria: LabCorp Variant Classification Summary - May 2015. Collection method: clinical testing. Allele origin: germline.
Comment: Variant summary: The CFTR c.4426C>T (p.Gln1476X) variant results in a termination codon in the penultimate exon deleting the last four amino acids (Asp-Thr-Arg-Leu). No pathogenic/likely pathogenic truncating variants downstream of this position have been reported in literature, ClinVar and our laboratory and it is outside of some of the commonly known domains (transmembrane domain, ATPase domain and regulator domain) (InterPro). There are no functional studies for this variant as well. Mutation taster predicts a damaging outcome for this variant. This variant was found in 3/120070 control chromosomes including ExAC at a frequency of 0.000025, which does not exceed the estimated maximal expected allele frequency of a pathogenic CFTR variant (0.0129603). In literature, this variant was found in at least 5 CF patients, 5 CBAVD patients, 3 ICP patients and 3 patients reported to be diagnosed of CFTR-RD. Most patients were known to be compound heterozygotes with another pathogenic variant, primarily with p.Phe508del. In addition, two reported CBAVD patients were found to have elevated sweat chloride implying the diagnosis of CF/NC. Although a nonsense variant, severity of disease associated with this variant is widely reported as mild in literature which can be implicated to its location and resuting functional consequence. One clinical laboratory in ClinVar has classified it as pathogenic. Because CF/NC phenotype has been reported with this variant, and because CBAVD and ICP can also be categorized as manifestation of CF, this variant has been classified as pathogenic with respect to CF/NC phenotype.

ARUP Laboratories, Molecular Genetics and Genomics, ARUP Laboratories
Classification: Pathogenic. Last evaluated: 2016-11-08. Review status: criteria provided, single submitter. Criteria: ARUP Molecular Germline Variant Investigation Process. Collection method: clinical testing. Allele origin: germline.

Eurofins Ntd Llc (ga)
Classification: Pathogenic. Last evaluated: 2013-08-30. Review status: criteria provided, single submitter. Criteria: EGL Classification Definitions. Collection method: clinical testing. Allele origin: germline. Observed: 2 variant alleles, 2 heterozygotes.

Baylor Genetics
Classification: Likely pathogenic for Congenital bilateral aplasia of vas deferens from CFTR mutation; Cystic fibrosis. Review status: criteria provided, single submitter. Criteria: ACMG Guidelines, 2015. Collection method: clinical testing. Allele origin: germline.

Counsyl
Classification: Uncertain significance for Cystic fibrosis. Last evaluated: 2018-12-19. Review status: no assertion criteria provided. Collection method: clinical testing. Allele origin: unknown. Not counted in ClinVar's aggregate classification.

Baylor Genetics
Classification: Pathogenic for Cystic fibrosis. Review status: no assertion criteria provided. Collection method: clinical testing. Allele origin: unknown. Not counted in ClinVar's aggregate classification.

Literature cited by the submitters: PubMed 17449517 (cited by 4 submitters); PubMed 31508243 (cited by Dasa and Ambry Genetics); PubMed 12578973 (cited by 4 submitters); PubMed 22020151 (cited by 6 submitters); PubMed 21520337 (cited by 5 submitters); PubMed 23276700 (cited by 6 submitters); PubMed 11938439 (cited by 6 submitters); PubMed 12919146 (cited by 3 submitters); PubMed 15040442 (cited by Ambry Genetics); PubMed 28544683 (cited by 5 submitters); PubMed 25910067 (cited by 3 submitters); PubMed 30444886 (cited by 3 submitters); PubMed 32906206 (cited by Quest Diagnostics Nichols Institute San Juan Capistrano); PubMed 31589614 (cited by Quest Diagnostics Nichols Institute San Juan Capistrano); PubMed 34996830 (cited by Quest Diagnostics Nichols Institute San Juan Capistrano); PubMed 17003641 (cited by 3 submitters); PubMed 15758663 (cited by Quest Diagnostics Nichols Institute San Juan Capistrano and Women's Health and Genetics/Laboratory Corporation of America, LabCorp); PubMed 11504857 (cited by 3 submitters); PubMed 28603918 (cited by Quest Diagnostics Nichols Institute San Juan Capistrano); PubMed 21679131 (cited by 3 submitters); PubMed 16784904 (cited by Women's Health and Genetics/Laboratory Corporation of America, LabCorp and Counsyl); PubMed 25087612 (cited by Baylor Genetics).